The following is an entry in ClinVar:

ClinVar aggregate classification (germline): Uncertain significance (1 of 4 stars; one submission).

Conditions:
Distal hereditary motor neuropathy type 2. Identifiers: Orphanet 139525, MedGen C3711384, MeSH C580044, MONDO:0015352.

Allele frequency attached by ClinVar (database versions not stated): ExAC 0.00001; gnomAD exomes 0.00002.
gnomAD v4.1: 30 of 1,580,584 alleles (0.0019%); highest among the groups gnomAD compares: South Asian, 0.032%; no homozygotes.

Submission:

Labcorp Genetics (formerly Invitae), Labcorp
Classification: Uncertain significance for Distal hereditary motor neuropathy type 2. Last evaluated: 2022-07-12. Review status: criteria provided, single submitter. Criteria: Invitae Variant Classification Sherloc (09022015). Collection method: clinical testing. Allele origin: germline.
Comment: This sequence change replaces serine, which is neutral and polar, with asparagine, which is neutral and polar, at codon 641 of the FBXO38 protein (p.Ser641Asn). This variant is present in population databases (rs754767072, gnomAD 0.02%). This variant has not been reported in the literature in individuals affected with FBXO38-related conditions. Algorithms developed to predict the effect of missense changes on protein structure and function are either unavailable or do not agree on the potential impact of this missense change (SIFT: "Deleterious"; PolyPhen-2: "Probably Damaging"; Align-GVGD: "Class C0"). In summary, the available evidence is currently insufficient to determine the role of this variant in disease. Therefore, it has been classified as a Variant of Uncertain Significance.

NM_205836.3(FBXO38):c.1922G>A (p.Ser641Asn)

Gene: FBXO38 (F-box protein 38; plus strand). Cytogenetic location: 5q32.
Variant type: single nucleotide variant.
Coding change: c.1922G>A on transcript NM_205836.3 (MANE Select); coding-DNA position 1922, G replaced by A.
Protein change: p.Ser641Asn; replaces serine 641 with asparagine.
Molecular consequence: missense variant. On other transcripts: intron variant (1).
Genome position (GRCh38, 1-based): chr5:148,427,216, G>A. VCF-style: chr5-148427216-G-A. GRCh37 (hg19) VCF-style: chr5-147806779-G-A.
Other names: c.1922G>A, p.Ser641Asn (NM_030793.5); c.1918+1515G>A (NM_001271723.2); short protein forms S641N.
Identifiers: ClinVar variation 2194332 (VCV002194332.4), dbSNP rs754767072, ClinGen allele CA3497426.